The following is an entry in ClinVar:

NM_001171613.2(PREPL):c.1042A>G (p.Ile348Val)

Gene: PREPL (prolyl endopeptidase like; minus strand). Cytogenetic location: 2p21.
Variant type: single nucleotide variant.
Coding change: c.1042A>G on transcript NM_001171613.2 (MANE Select); coding-DNA position 1042, A replaced by G.
Protein change: p.Ile348Val; replaces isoleucine 348 with valine.
Molecular consequence: missense variant. On other transcripts: intron variant (1).
Genome position (GRCh38, 1-based): chr2:44,332,503, T>C on the plus strand (A>G on the coding strand, the complement: PREPL is on the minus strand). VCF-style: chr2-44332503-T-C. GRCh37 (hg19) VCF-style: chr2-44559642-T-C.
Other names: c.1309A>G, p.Ile437Val (NM_006036.4, NM_001171603.1, NM_001171606.2 and 2 more transcripts); c.1123A>G, p.Ile375Val (NM_001042385.2); c.1042A>G, p.Ile348Val (NM_001171617.1, NM_001374277.1); c.1156-3391A>G (NM_001042386.2); short protein forms I348V, I375V, I437V.
Identifiers: ClinVar variation 938080 (VCV000938080.9), dbSNP rs893139776, ClinGen allele CA46541161.

ClinVar aggregate classification (germline): Uncertain significance. Review status: criteria provided, multiple submitters, no conflicts (2 of 4 stars). 2 submissions from 2 submitters: Uncertain significance (2). Last evaluated 2025-06-04.

Conditions:
Myasthenic syndrome, congenital, 22 (CMS22). Also called: PREPL DEFICIENCY. Identifiers: MedGen C4479088, MONDO:0044299, OMIM 616224.
Inborn genetic diseases. Identifiers: MedGen C0950123, MeSH D030342.

Allele frequency attached by ClinVar (database versions not stated): gnomAD 0.00002 and 0.00003; TOPMed 0.00008.
gnomAD v4.1: 23 of 1,614,034 alleles (0.0014%); highest among the groups gnomAD compares: African/African-American, 0.0067%; no homozygotes.

Submissions (2):

Labcorp Genetics (formerly Invitae), Labcorp
Classification: Uncertain significance for Myasthenic syndrome, congenital, 22. Last evaluated: 2025-06-04. Review status: criteria provided, single submitter. Criteria: Invitae Variant Classification Sherloc (09022015). Collection method: clinical testing. Allele origin: germline.
Comment: This sequence change replaces isoleucine, which is neutral and non-polar, with valine, which is neutral and non-polar, at codon 437 of the PREPL protein (p.Ile437Val). This variant is present in population databases (no rsID available, gnomAD 0.0009%). This variant has not been reported in the literature in individuals affected with PREPL-related conditions. ClinVar contains an entry for this variant (Variation ID: 938080). Invitae Evidence Modeling of protein sequence and biophysical properties (such as structural, functional, and spatial information, amino acid conservation, physicochemical variation, residue mobility, and thermodynamic stability) indicates that this missense variant is not expected to disrupt PREPL protein function with a negative predictive value of 80%. In summary, the available evidence is currently insufficient to determine the role of this variant in disease. Therefore, it has been classified as a Variant of Uncertain Significance.

Ambry Genetics
Classification: Uncertain significance for Inborn genetic diseases. Last evaluated: 2025-03-03. Review status: criteria provided, single submitter. Criteria: Ambry Variant Classification Scheme 2023. Collection method: clinical testing. Allele origin: germline.